The following is an entry in ClinVar:

NM_001145308.5(LRTOMT):c.585C>T (p.Asp195=)

Genes: ANAPC15 (anaphase promoting complex subunit 15; minus strand), LRTOMT (leucine rich transmembrane and O-methyltransferase domain containing; plus strand), TOMT (transmembrane O-methyltransferase; plus strand). Cytogenetic location: 11q13.4.
Variant type: single nucleotide variant.
Coding change: c.585C>T on transcript NM_001145308.5; coding-DNA position 585, C replaced by T.
Protein change: p.Asp195=; no amino-acid change (aspartic acid 195 retained).
Molecular consequence: synonymous variant. On other transcripts: 3 prime UTR variant (3), non-coding transcript variant (1), intron variant (7).
Genome position (GRCh38, 1-based): chr11:72,108,634, C>T. VCF-style: chr11-72108634-C-T. GRCh37 (hg19) VCF-style: chr11-71819680-C-T.
Other names: c.486C>T, p.Asp162= (NM_001393500.2); c.585C>T, p.Asp195= (NM_001145309.4); c.465C>T, p.Asp155= (NM_001145310.4); c.*185G>A (NM_001393443.1, NM_001393444.1, NM_001393445.1); c.64-1029G>A (NM_001393459.1); c.319-1029G>A (NM_001393430.1, NM_001393429.1, NM_001393428.1 and 3 more transcripts).
Identifiers: ClinVar variation 305996 (VCV000305996.16), dbSNP rs373088272, ClinGen allele CA6168631.

ClinVar aggregate classification (germline): Conflicting classifications of pathogenicity. Review status: criteria provided, conflicting classifications (1 of 4 stars). 4 submissions from 4 submitters: Uncertain significance (1); Likely benign (2). 1 of the submissions does not count toward it. Last evaluated 2024-11-11.

Conditions:
LRTOMT-related disorder. Also called: LRTOMT-related condition.
Autosomal recessive nonsyndromic hearing loss 63. Identifiers: Orphanet 90636, MedGen C1969621, MONDO:0012670, OMIM 611451.

Allele frequency attached by ClinVar (database versions not stated): TOPMed 0.00011; 1000 Genomes Project 30x 0.00016; gnomAD 0.00022; ExAC 0.00024; ESP Exome Variant Server 0.00066.
gnomAD v4.1: 381 of 1,495,962 alleles (0.025%); highest among the groups gnomAD compares: Non-Finnish European, 0.032%; no homozygotes.

Submissions (4):

Labcorp Genetics (formerly Invitae), Labcorp
Classification: Likely benign. Last evaluated: 2024-11-11. Review status: criteria provided, single submitter. Criteria: Invitae Variant Classification Sherloc (09022015). Collection method: clinical testing. Allele origin: germline.

Blueprint Genetics
Classification: Likely benign. Last evaluated: 2024-11-07. Review status: criteria provided, single submitter. Criteria: ACMG Guidelines, 2015. Collection method: clinical testing. Allele origin: germline.

Illumina Laboratory Services, Illumina
Classification: Uncertain significance for Autosomal recessive nonsyndromic hearing loss 63. Last evaluated: 2018-01-12. Review status: criteria provided, single submitter. Criteria: ICSL Variant Classification Criteria 13 December 2019. Collection method: clinical testing. Allele origin: germline.

PreventionGenetics, part of Exact Sciences
Classification: Likely benign for LRTOMT-related condition. Last evaluated: 2019-06-17. Review status: no assertion criteria provided. Collection method: clinical testing. Allele origin: germline. Not counted in ClinVar's aggregate classification.
Comment: This variant is classified as likely benign based on ACMG/AMP sequence variant interpretation guidelines (Richards et al. 2015 PMID: 25741868, with internal and published modifications).